The following is an entry in ClinVar:

ClinVar aggregate classification (germline): Uncertain significance. Review status: criteria provided, multiple submitters, no conflicts (2 of 4 stars). 3 submissions from 3 submitters: Uncertain significance (3). Last evaluated 2025-06-22.

Conditions:
Inborn genetic diseases. Identifiers: MedGen C0950123, MeSH D030342.

Submissions (3):

Ambry Genetics
Classification: Uncertain significance for Inborn genetic diseases. Last evaluated: 2025-06-22. Review status: criteria provided, single submitter. Criteria: Ambry Variant Classification Scheme 2023. Collection method: clinical testing. Allele origin: germline.

Labcorp Genetics (formerly Invitae), Labcorp
Classification: Uncertain significance. Last evaluated: 2024-02-14. Review status: criteria provided, single submitter. Criteria: Invitae Variant Classification Sherloc (09022015). Collection method: clinical testing. Allele origin: germline.
Comment: This sequence change replaces lysine, which is basic and polar, with arginine, which is basic and polar, at codon 206 of the NFKB1 protein (p.Lys206Arg). This variant is not present in population databases (gnomAD no frequency). This variant has not been reported in the literature in individuals affected with NFKB1-related conditions. Advanced modeling of protein sequence and biophysical properties (such as structural, functional, and spatial information, amino acid conservation, physicochemical variation, residue mobility, and thermodynamic stability) performed at Invitae indicates that this missense variant is not expected to disrupt NFKB1 protein function with a negative predictive value of 80%. In summary, the available evidence is currently insufficient to determine the role of this variant in disease. Therefore, it has been classified as a Variant of Uncertain Significance.

Blueprint Genetics
Classification: Uncertain significance. Last evaluated: 2020-06-12. Review status: criteria provided, single submitter. Criteria: ACMG Guidelines, 2015. Collection method: clinical testing. Allele origin: germline.

NM_003998.4(NFKB1):c.617A>G (p.Lys206Arg)

Gene: NFKB1 (nuclear factor kappa B subunit 1; plus strand). Cytogenetic location: 4q24.
Variant type: single nucleotide variant.
Coding change: c.617A>G on transcript NM_003998.4 (MANE Select); coding-DNA position 617, A replaced by G.
Protein change: p.Lys206Arg; replaces lysine 206 with arginine.
Molecular consequence: missense variant.
Genome position (GRCh38, 1-based): chr4:102,578,926, A>G. VCF-style: chr4-102578926-A-G. GRCh37 (hg19) VCF-style: chr4-103500083-A-G.
Other names: c.614A>G, p.Lys205Arg (NM_001165412.2, NM_001319226.2, NM_001382627.1); c.617A>G, p.Lys206Arg (NM_001382625.1, NM_001382626.1); c.575A>G, p.Lys192Arg (NM_001382628.1); c.617A>G (NM_003998.3); short protein forms K205R, K192R, K206R.
Identifiers: ClinVar variation 3685540 (VCV003685540.4).